The following is an entry in ClinVar:

ClinVar aggregate classification (germline): Pathogenic (1 of 4 stars; one submission).

Submission:

GeneDx
Classification: Pathogenic. Last evaluated: 2017-06-09. Review status: criteria provided, single submitter. Criteria: GeneDx Variant Classification (06012015). Collection method: clinical testing. Allele origin: germline. Affected: yes.
Comment: The G227S variant in the COL4A5 gene has previously been reported in at least one individual with Alport syndrome (Hashimura et al., 2014). This variant is not observed in large population cohorts (Lek et al., 2016; 1000 Genomes Consortium et al., 2015; Exome Variant Server). The G227S variant is a non-conservative amino acid substitution, which is likely to impact secondary protein structure as these residues differ in polarity, charge, size and/or other properties. This substitution occurs at a position that is conserved across species, and is located within the triple helical region in a G-X-Y motif (Uniprot). In silico analysis predicts this variant is probably damaging to the protein structure/function. Based on currently available evidence, we consider G227S to be pathogenic.

NM_033380.3(COL4A5):c.679G>A (p.Gly227Ser)

Gene: COL4A5 (collagen type IV alpha 5 chain; plus strand). Cytogenetic location: Xq22.3.
Variant type: single nucleotide variant.
Coding change: c.679G>A on transcript NM_033380.3 (MANE Select); coding-DNA position 679, G replaced by A.
Protein change: p.Gly227Ser; replaces glycine 227 with serine.
Molecular consequence: missense variant.
Genome position (GRCh38, 1-based): chrX:108,578,111, G>A. VCF-style: chrX-108578111-G-A. GRCh37 (hg19) VCF-style: chrX-107821341-G-A.
Other names: c.679G>A, p.Gly227Ser (NM_000495.5); short protein forms G227S.
Identifiers: ClinVar variation 431809 (VCV000431809.3), dbSNP rs1556405916, ClinGen allele CA413923773.
Genomic context (GRCh38, chrX:108,578,111, plus strand): 5'-TTTTTAAATGGAAACTTCTCTCTCCAGGGGAATATGGGCTTAAATTTCCAGGGACCCAAA[G>A]GTGAAAAAGTGAGTAAAGAAAGAGAGCTGGTTATTCAGCCCTCAGCTTTCTCTTTTTGTA-3'
Protein context (NP_203699.1, residues 217-237): NMGLNFQGPK[Gly227Ser]EKGEQGLQGP